The following is an entry in ClinVar:

NM_000136.3(FANCC):c.1367T>C (p.Met456Thr)

Genes: AOPEP (aminopeptidase O (putative); plus strand), FANCC (FA complementation group C; minus strand). Cytogenetic location: 9q22.32.
Variant type: single nucleotide variant.
Coding change: c.1367T>C on transcript NM_000136.3 (MANE Select); coding-DNA position 1367, T replaced by C.
Protein change: p.Met456Thr; replaces methionine 456 with threonine.
Molecular consequence: missense variant.
Genome position (GRCh38, 1-based): chr9:95,107,232, A>G on the plus strand (T>C on the coding strand, the complement: FANCC is on the minus strand). VCF-style: chr9-95107232-A-G. GRCh37 (hg19) VCF-style: chr9-97869514-A-G.
Other names: c.1367T>C, p.Met456Thr (NM_001243743.2); short protein forms M456T.
Identifiers: ClinVar variation 1770958 (VCV001770958.2), dbSNP rs1341758912, ClinGen allele CA374106224.
Genomic context (GRCh38, chr9:95,107,232, plus strand): 5'-TCTGTGCCCTGTCCTGCTACCGTCTGCAGGTCCTGGGCTGAGAGGCTGCTGCTTCTGGAC[A>G]TTGCCAGGAGGTGGCCCAGCACGGCCTTCACCTGGACCTGGGCAATAGTATTTCACAGGG-3'
Protein context (NP_000127.2, residues 446-466): VKAVLGHLLA[Met456Thr]SRSSSLSAQD

ClinVar aggregate classification (germline): Uncertain significance (1 of 4 stars; one submission).

Conditions:
Hereditary cancer-predisposing syndrome. Also called: Hereditary Cancer Syndrome; Hereditary neoplastic syndrome; Neoplastic Syndromes, Hereditary; Tumor predisposition. Identifiers: Orphanet 140162, MedGen C0027672, MeSH D009386, MONDO:0015356.

gnomAD v4.1: 2 of 1,614,180 alleles (0.00012%); highest among the groups gnomAD compares: East Asian, 0.0045%; no homozygotes.

Submission:

Ambry Genetics
Classification: Uncertain significance for Hereditary cancer-predisposing syndrome. Last evaluated: 2021-11-16. Review status: criteria provided, single submitter. Criteria: Ambry Variant Classification Scheme 2023. Collection method: clinical testing. Allele origin: germline.
Comment: The p.M456T variant (also known as c.1367T>C), located in coding exon 13 of the FANCC gene, results from a T to C substitution at nucleotide position 1367. The methionine at codon 456 is replaced by threonine, an amino acid with similar properties. This amino acid position is conserved. In addition, this alteration is predicted to be tolerated by in silico analysis. Since supporting evidence is limited at this time, the clinical significance of this alteration remains unclear.